The following is an entry in ClinVar:

ClinVar aggregate classification (germline): Conflicting classifications of pathogenicity. Review status: criteria provided, conflicting classifications (1 of 4 stars). 3 submissions from 3 submitters: Pathogenic (1); Likely pathogenic (1); Uncertain significance (1). Last evaluated 2024-11-05.

Conditions:
Amelogenesis imperfecta type 1G (AI1G). Also called: AMELOGENESIS IMPERFECTA, TYPE IG; ENAMEL-RENAL-GINGIVAL SYNDROME; AMELOGENESIS IMPERFECTA, HYPOPLASTIC, WITH NEPHROCALCINOSIS; Amelogenesis imperfecta-gingival hyperplasia syndrome; AMELOGENESIS IMPERFECTA, HYPOPLASTIC, AND NEPHROCALCINOSIS; Amelogenesis imperfecta hypoplastic type, IG. Identifiers: Orphanet 1031, Orphanet 171836, MedGen C2931783, MONDO:0008771, OMIM 204690. Disease mechanism: loss of function.

gnomAD v4.1: 9 of 1,613,980 alleles (0.00056%); highest among the groups gnomAD compares: East Asian, 0.016%; no homozygotes.

Submissions (3):

Labcorp Genetics (formerly Invitae), Labcorp
Classification: Pathogenic. Last evaluated: 2024-11-05. Review status: criteria provided, single submitter. Criteria: Invitae Variant Classification Sherloc (09022015). Collection method: clinical testing. Allele origin: germline.
Comment: This sequence change falls in intron 2 of the FAM20A gene. It does not directly change the encoded amino acid sequence of the FAM20A protein. RNA analysis indicates that this variant induces altered splicing and likely results in a shortened protein product. This variant is present in population databases (rs779913321, gnomAD 0.07%). This variant has been observed in individual(s) with clinical features of enamel-renal syndrome (PMID: 37159186). In at least one individual the data is consistent with being in trans (on the opposite chromosome) from a pathogenic variant. It has also been observed to segregate with disease in related individuals. Studies have shown that this variant results in skipping of exon 3, but is expected to preserve the integrity of the reading-frame (PMID: 37159186). For these reasons, this variant has been classified as Pathogenic.

Fulgent Genetics
Classification: Likely pathogenic for Amelogenesis imperfecta type 1G. Last evaluated: 2023-12-26. Review status: criteria provided, single submitter. Criteria: ACMG Guidelines, 2015. Collection method: clinical testing. Allele origin: germline.

Blueprint Genetics
Classification: Uncertain significance. Last evaluated: 2019-12-09. Review status: criteria provided, single submitter. Criteria: ACMG Guidelines, 2015. Collection method: clinical testing. Allele origin: germline.

Literature cited by the submitters: PubMed 37159186 (cited by Labcorp Genetics (formerly Invitae), Labcorp).

NM_017565.4(FAM20A):c.590-5T>A

Gene: FAM20A (FAM20A golgi associated secretory pathway pseudokinase; minus strand). Cytogenetic location: 17q24.2.
Variant type: single nucleotide variant.
Coding change: c.590-5T>A on transcript NM_017565.4 (MANE Select); 5 bases into the intron before coding-DNA position 590, T replaced by A.
Molecular consequence: intron variant.
Genome position (GRCh38, 1-based): chr17:68,554,832, A>T on the plus strand (T>A on the coding strand, the complement: FAM20A is on the minus strand). VCF-style: chr17-68554832-A-T. GRCh37 (hg19) VCF-style: chr17-66550973-A-T.
Other names: c.176-5T>A (NM_001243746.2).
Identifiers: ClinVar variation 3582767 (VCV003582767.4).